The following is an entry in ClinVar:

NM_198282.4(STING1):c.102G>C (p.Trp34Cys)

Gene: STING1 (stimulator of interferon response cGAMP interactor 1; minus strand). Cytogenetic location: 5q31.2.
Variant type: single nucleotide variant.
Coding change: c.102G>C on transcript NM_198282.4 (MANE Select); coding-DNA position 102, G replaced by C.
Protein change: p.Trp34Cys; replaces tryptophan 34 with cysteine.
Molecular consequence: missense variant. On other transcripts: intron variant (1).
Genome position (GRCh38, 1-based): chr5:139,481,603, C>G on the plus strand (G>C on the coding strand, the complement: STING1 is on the minus strand). VCF-style: chr5-139481603-C-G. GRCh37 (hg19) VCF-style: chr5-138861188-C-G.
Other names: c.102G>C, p.Trp34Cys (NM_001301738.2); c.-130-261G>C (NM_001367258.1); short protein forms W34C.
Identifiers: ClinVar variation 2024354 (VCV002024354.4), dbSNP rs2547066590, ClinGen allele CA361481856.

ClinVar aggregate classification (germline): Uncertain significance (1 of 4 stars; one submission).

Conditions:
STING-associated vasculopathy with onset in infancy. Also called: Sting-associated vasculopathy, infantile-onset. Identifiers: Orphanet 425120, MedGen C4014722, MONDO:0014405, OMIM 615934.

Submission:

Labcorp Genetics (formerly Invitae), Labcorp
Classification: Uncertain significance for STING-associated vasculopathy with onset in infancy. Last evaluated: 2022-08-16. Review status: criteria provided, single submitter. Criteria: Invitae Variant Classification Sherloc (09022015). Collection method: clinical testing. Allele origin: germline.
Comment: In summary, the available evidence is currently insufficient to determine the role of this variant in disease. Therefore, it has been classified as a Variant of Uncertain Significance. Algorithms developed to predict the effect of missense changes on protein structure and function output the following: SIFT: "Deleterious"; PolyPhen-2: "Probably Damaging"; Align-GVGD: "Class C0". The cysteine amino acid residue is found in multiple mammalian species, which suggests that this missense change does not adversely affect protein function. This variant has not been reported in the literature in individuals affected with TMEM173-related conditions. This variant is not present in population databases (gnomAD no frequency). This sequence change replaces tryptophan, which is neutral and slightly polar, with cysteine, which is neutral and slightly polar, at codon 34 of the TMEM173 protein (p.Trp34Cys).